The following is an entry in ClinVar:

ClinVar aggregate classification (germline): Likely pathogenic. Review status: criteria provided, single submitter (1 of 4 stars). 2 submissions from 2 submitters: Likely pathogenic (1). 1 of the submissions does not count toward it. Last evaluated 2023-06-15.

Conditions:
Tyrosinemia type II (TYRSN2). Also called: KERATOSIS PALMOPLANTARIS WITH CORNEAL DYSTROPHY; OREGON TYPE TYROSINEMIA; TAT DEFICIENCY; TYROSINE AMINOTRANSFERASE DEFICIENCY; TYROSINE TRANSAMINASE DEFICIENCY. Identifiers: Orphanet 28378, MedGen C0268487, MONDO:0010160, OMIM 276600.

Submissions (2):

Labcorp Genetics (formerly Invitae), Labcorp
Classification: Likely pathogenic for Tyrosinemia type II. Last evaluated: 2023-06-15. Review status: criteria provided, single submitter. Criteria: Invitae Variant Classification Sherloc (09022015). Collection method: clinical testing. Allele origin: germline.
Comment: In summary, the currently available evidence indicates that the variant is pathogenic, but additional data are needed to prove that conclusively. Therefore, this variant has been classified as Likely Pathogenic. Algorithms developed to predict the effect of sequence changes on RNA splicing suggest that this variant may disrupt the consensus splice site. ClinVar contains an entry for this variant (Variation ID: 553223). This variant has not been reported in the literature in individuals affected with TAT-related conditions. This variant is not present in population databases (gnomAD no frequency). This sequence change affects a donor splice site in intron 9 of the TAT gene. It is expected to disrupt RNA splicing. Variants that disrupt the donor or acceptor splice site typically lead to a loss of protein function (PMID: 16199547), and loss-of-function variants in TAT are known to be pathogenic (PMID: 9544843).

Counsyl
Classification: Likely pathogenic for Tyrosinemia type II. Last evaluated: 2017-08-08. Review status: no assertion criteria provided. Collection method: clinical testing. Allele origin: unknown. Not counted in ClinVar's aggregate classification.

Literature cited by the submitters: PubMed 16199547 (cited by Labcorp Genetics (formerly Invitae), Labcorp); PubMed 9544843 (cited by Labcorp Genetics (formerly Invitae), Labcorp).

NM_000353.3(TAT):c.1041+2T>C

Genes: TAT-AS1 (TAT antisense RNA 1; plus strand), TAT (tyrosine aminotransferase; minus strand). Cytogenetic location: 16q22.2.
Variant type: single nucleotide variant.
Coding change: c.1041+2T>C on transcript NM_000353.3 (MANE Select); the canonical splice donor site of the intron after coding-DNA position 1041, T replaced by C.
Molecular consequence: splice donor variant.
Genome position (GRCh38, 1-based): chr16:71,570,267, A>G on the plus strand (T>C on the coding strand, the complement: TAT is on the minus strand). VCF-style: chr16-71570267-A-G. GRCh37 (hg19) VCF-style: chr16-71604170-A-G.
Identifiers: ClinVar variation 553223 (VCV000553223.5), dbSNP rs113758103, ClinGen allele CA283578935.